The following is an entry in ClinVar:

ClinVar aggregate classification (germline): Uncertain significance (1 of 4 stars; one submission).

Allele frequency attached by ClinVar (database versions not stated): gnomAD 0.00001; gnomAD exomes 0.00001; TOPMed 0.00001; ExAC 0.00003; ESP Exome Variant Server 0.00015.
gnomAD v4.1: 11 of 1,612,650 alleles (0.00068%); highest among the groups gnomAD compares: Non-Finnish European, 0.00085%; no homozygotes.

Submission:

Labcorp Genetics (formerly Invitae), Labcorp
Classification: Uncertain significance. Last evaluated: 2025-06-12. Review status: criteria provided, single submitter. Criteria: Invitae Variant Classification Sherloc (09022015). Collection method: clinical testing. Allele origin: germline.
Comment: This sequence change replaces alanine, which is neutral and non-polar, with glycine, which is neutral and non-polar, at codon 341 of the TONSL protein (p.Ala341Gly). This variant is present in population databases (rs143043152, gnomAD 0.002%). This variant has not been reported in the literature in individuals affected with TONSL-related conditions. ClinVar contains an entry for this variant (Variation ID: 1930570). Invitae Evidence Modeling of protein sequence and biophysical properties (such as structural, functional, and spatial information, amino acid conservation, physicochemical variation, residue mobility, and thermodynamic stability) indicates that this missense variant is expected to disrupt TONSL protein function with a positive predictive value of 80%. In summary, the available evidence is currently insufficient to determine the role of this variant in disease. Therefore, it has been classified as a Variant of Uncertain Significance.

NM_013432.5(TONSL):c.1022C>G (p.Ala341Gly)

Gene: TONSL (tonsoku like, DNA repair protein; minus strand). Cytogenetic location: 8q24.3.
Variant type: single nucleotide variant.
Coding change: c.1022C>G on transcript NM_013432.5 (MANE Select); coding-DNA position 1022, C replaced by G.
Protein change: p.Ala341Gly; replaces alanine 341 with glycine.
Molecular consequence: missense variant.
Genome position (GRCh38, 1-based): chr8:144,440,860, G>C on the plus strand (C>G on the coding strand, the complement: TONSL is on the minus strand). VCF-style: chr8-144440860-G-C. GRCh37 (hg19) VCF-style: chr8-145666243-G-C.
Other names: short protein forms A341G.
Identifiers: ClinVar variation 1930570 (VCV001930570.5), dbSNP rs143043152, ClinGen allele CA4943411.